The following is an entry in ClinVar:

ClinVar aggregate classification (germline): Likely pathogenic (0 of 4 stars; one submission).

Conditions:
Hereditary spastic paraplegia 7 (SPG7). Also called: Spastic paraplegia 7; Hereditary spastic paraplegia Paraplegin type; SPASTIC PARAPLEGIA 7, AUTOSOMAL RECESSIVE, WITH OR WITHOUT CEREBELLAR ATAXIA; SPG7-related neurologic disorder; Autosomal recessive spastic paraplegia type 7. Identifiers: Orphanet 99013, MedGen C1846564, MONDO:0011803, OMIM 607259.

Submission:

Solve-RD Consortium
Classification: Likely pathogenic for Hereditary spastic paraplegia 7. Last evaluated: 2024-06-01. Review status: no assertion criteria provided. Collection method: provider interpretation. Allele origin: germline. Affected: yes.
Comment: This CNV was confirmed by the submitting clinician to impact a gene that corresponds with the phenotype of the affected individual, and thus deemed to be causative for their condition.

Literature cited by the submitters: PubMed 39825153.

GRCh37/hg19 16q24.3(chr16:89611055-89617017)x0

Gene: SPG7 (SPG7 matrix AAA peptidase subunit, paraplegin; plus strand). Cytogenetic location: 16q24.3.
Variant type: copy number loss.
Change: copy number 0 (both copies lost) of chr16:89,611,055-89,617,017 (6.0 kb, GRCh37 coordinates, 1-based), cytogenetic band 16q24.3.
Identifiers: ClinVar variation 3338432 (VCV003338432.1).